The following is an entry in ClinVar:

NM_002474.3(MYH11):c.4160T>G (p.Val1387Gly)

Genes: NDE1 (nudE neurodevelopment protein 1; plus strand), MYH11 (myosin heavy chain 11; minus strand). Cytogenetic location: 16p13.11.
Variant type: single nucleotide variant.
Coding change: c.4160T>G on transcript NM_002474.3 (MANE Select); coding-DNA position 4160, T replaced by G.
Protein change: p.Val1387Gly; replaces valine 1387 with glycine.
Molecular consequence: missense variant. On other transcripts: 3 prime UTR variant (2).
Genome position (GRCh38, 1-based): chr16:15,724,366, A>C on the plus strand (T>G on the coding strand, the complement: MYH11 is on the minus strand). VCF-style: chr16-15724366-A-C. GRCh37 (hg19) VCF-style: chr16-15818223-A-C.
Other names: c.4181T>G, p.Val1394Gly (NM_001040113.2, NM_001040114.2); c.4160T>G, p.Val1387Gly (NM_022844.3); c.*115A>C (NM_001143979.2, NM_017668.3); short protein forms V1387G, V1394G.
Identifiers: ClinVar variation 2773815 (VCV002773815.2), dbSNP rs2506141543, ClinGen allele CA394857459.

ClinVar aggregate classification (germline): Uncertain significance (1 of 4 stars; one submission).

Conditions:
Familial thoracic aortic aneurysm and aortic dissection (TAAD). Also called: Thoracic aortic aneurysms and dissections. Identifiers: Orphanet 91387, MedGen C4707243, MONDO:0019625.

Submission:

Color Diagnostics, LLC DBA Color Health
Classification: Uncertain significance for Familial thoracic aortic aneurysm and aortic dissection. Last evaluated: 2024-03-06. Review status: criteria provided, single submitter. Criteria: ACMG Guidelines, 2015. Collection method: clinical testing. Allele origin: germline.
Comment: This missense variant replaces valine with glycine at codon 1394 of the MYH11 protein. Computational prediction tools indicate that this variant has a neutral impact on protein structure and function. To our knowledge, functional studies have not been reported for this variant. This variant has not been reported in individuals affected with MYH11-related disorders in the literature. This variant has not been identified in the general population by the Genome Aggregation Database (gnomAD). The available evidence is insufficient to determine the role of this variant in disease conclusively. Therefore, this variant is classified as a Variant of Uncertain Significance.